The following is an entry in ClinVar:

NM_015021.3(ZNF292):c.2993C>T (p.Ala998Val)

Gene: ZNF292 (zinc finger protein 292; plus strand). Cytogenetic location: 6q14.3.
Variant type: single nucleotide variant.
Coding change: c.2993C>T on transcript NM_015021.3 (MANE Select); coding-DNA position 2993, C replaced by T.
Protein change: p.Ala998Val; replaces alanine 998 with valine.
Molecular consequence: missense variant.
Genome position (GRCh38, 1-based): chr6:87,256,622, C>T. VCF-style: chr6-87256622-C-T. GRCh37 (hg19) VCF-style: chr6-87966340-C-T.
Other names: c.2573C>T, p.Ala858Val (NM_001351444.2); short protein forms A858V, A998V.
Identifiers: ClinVar variation 4731223 (VCV004731223.1).

ClinVar aggregate classification (germline): Uncertain significance (1 of 4 stars; one submission).

gnomAD v4.1: 1 of 1,613,572 alleles (0.000062%); highest among the groups gnomAD compares: Non-Finnish European, 0.000085%; no homozygotes.

Submission:

Labcorp Genetics (formerly Invitae), Labcorp
Classification: Uncertain significance. Last evaluated: 2025-11-14. Review status: criteria provided, single submitter. Criteria: Invitae Variant Classification Sherloc (09022015). Collection method: clinical testing. Allele origin: germline.
Comment: This sequence change replaces alanine, which is neutral and non-polar, with valine, which is neutral and non-polar, at codon 998 of the ZNF292 protein (p.Ala998Val). This variant is not present in population databases (gnomAD no frequency). This missense change has been observed in individual(s) with ZNF292-related conditions (internal data). An algorithm developed to predict the effect of missense changes on protein structure and function outputs the following: PolyPhen-2: "Benign". The valine amino acid residue is found in multiple mammalian species, which suggests that this missense change does not adversely affect protein function. In summary, the available evidence is currently insufficient to determine the role of this variant in disease. Therefore, it has been classified as a Variant of Uncertain Significance.